The following is an entry in ClinVar:

NM_000540.3(RYR1):c.6815C>T (p.Pro2272Leu)

Gene: RYR1 (ryanodine receptor 1; plus strand). Cytogenetic location: 19q13.2.
Variant type: single nucleotide variant.
Coding change: c.6815C>T on transcript NM_000540.3 (MANE Select); coding-DNA position 6815, C replaced by T.
Protein change: p.Pro2272Leu; replaces proline 2272 with leucine.
Molecular consequence: missense variant.
Genome position (GRCh38, 1-based): chr19:38,496,878, C>T. VCF-style: chr19-38496878-C-T. GRCh37 (hg19) VCF-style: chr19-38987518-C-T.
Other names: c.6815C>T, p.Pro2272Leu (NM_001042723.2); short protein forms P2272L.
Identifiers: ClinVar variation 3072641 (VCV003072641.1), dbSNP rs2514294265, ClinGen allele CA082225.
Genomic context (GRCh38, chr19:38,496,878, plus strand): 5'-CAAGCAGGAGTGAGATGTTCTCCCCACCTCTCGCCCCTGCAGGCATGCAGGGCTCCACGC[C>T]CCTGGACGTGGCTGCTGCCTCCGTCATTGACAACAATGAGCTGGCCTTGGCATTGCAGGA-3'
Protein context (NP_000531.2, residues 2262-2282): GIGLGMQGST[Pro2272Leu]LDVAAASVID

ClinVar aggregate classification (germline): Uncertain significance (1 of 4 stars; one submission).

Conditions:
Malignant hyperthermia, susceptibility to, 1 (MHS1). Also called: Anesthesia related hyperthermia; Malignant hyperpyrexia; Fulminating hyperpyrexia; Pharmacogenic myopathy; RYR1-Related Malignant Hyperthermia Susceptibility; Malignant hyperthermia suceptibility 1. Identifiers: Orphanet 423, MedGen C2930980, MONDO:0007783, OMIM 145600.

Submission:

All of Us Research Program, National Institutes of Health
Classification: Uncertain significance for Malignant hyperthermia, susceptibility to, 1. Last evaluated: 2023-08-15. Review status: criteria provided, single submitter. Criteria: ACMG Guidelines, 2015. Collection method: clinical testing. Allele origin: germline. Inheritance: Autosomal dominant inheritance. Observed: 1 variant allele, 1 heterozygote.
Comment: This study involves interpretation of variants in research participants for the purpose of population health screening. Participant phenotype was not available at the time of variant classification. Additional details can be found in publication PMID: 35346344, PMCID: PMC8962531